The following is an entry in ClinVar:

ClinVar aggregate classification (germline): Uncertain significance. Review status: criteria provided, multiple submitters, no conflicts (2 of 4 stars). 2 submissions from 2 submitters: Uncertain significance (2). Last evaluated 2025-02-05.

Conditions:
Inborn genetic diseases. Identifiers: MedGen C0950123, MeSH D030342.

Allele frequency attached by ClinVar (database versions not stated): gnomAD exomes below 0.00001; gnomAD 0.00001; TOPMed 0.00002.
gnomAD v4.1: 8 of 1,614,096 alleles (0.0005%); highest among the groups gnomAD compares: African/African-American, 0.0053%; no homozygotes.

Submissions (2):

GeneDx
Classification: Uncertain significance. Last evaluated: 2025-02-05. Review status: criteria provided, single submitter. Criteria: GeneDx Variant Classification Process June 2021. Collection method: clinical testing. Allele origin: germline. Affected: yes.
Comment: Not observed at significant frequency in large population cohorts (gnomAD); In silico analysis indicates that this missense variant does not alter protein structure/function; Has not been previously published as pathogenic or benign to our knowledge

Ambry Genetics
Classification: Uncertain significance for Inborn genetic diseases. Last evaluated: 2022-10-26. Review status: criteria provided, single submitter. Criteria: Ambry Variant Classification Scheme 2023. Collection method: clinical testing. Allele origin: germline.

NM_000254.3(MTR):c.2911G>A (p.Asp971Asn)

Gene: MTR (5-methyltetrahydrofolate-homocysteine methyltransferase; plus strand). Cytogenetic location: 1q43.
Variant type: single nucleotide variant.
Coding change: c.2911G>A on transcript NM_000254.3 (MANE Select); coding-DNA position 2911, G replaced by A.
Protein change: p.Asp971Asn; replaces aspartic acid 971 with asparagine.
Molecular consequence: missense variant.
Genome position (GRCh38, 1-based): chr1:236,889,240, G>A. VCF-style: chr1-236889240-G-A. GRCh37 (hg19) VCF-style: chr1-237052540-G-A.
Other names: c.2758G>A, p.Asp920Asn (NM_001291939.1); c.1690G>A, p.Asp564Asn (NM_001291940.2); c.2722G>A, p.Asp908Asn (NM_001410942.1); short protein forms D564N, D920N, D971N, D908N.
Identifiers: ClinVar variation 2319603 (VCV002319603.4), dbSNP rs1369853053, ClinGen allele CA345386013.